The following is an entry in ClinVar:

NM_012330.4(KAT6B):c.2891T>C (p.Ile964Thr)

Gene: KAT6B (lysine acetyltransferase 6B; plus strand). Cytogenetic location: 10q22.2.
Variant type: single nucleotide variant.
Coding change: c.2891T>C on transcript NM_012330.4 (MANE Select); coding-DNA position 2891, T replaced by C.
Protein change: p.Ile964Thr; replaces isoleucine 964 with threonine.
Molecular consequence: missense variant.
Genome position (GRCh38, 1-based): chr10:75,021,155, T>C. VCF-style: chr10-75021155-T-C. GRCh37 (hg19) VCF-style: chr10-76780913-T-C.
Other names: c.2342T>C, p.Ile781Thr (NM_001256468.2, NM_001370138.1); c.2015T>C, p.Ile672Thr (NM_001256469.2, NM_001370139.1, NM_001370140.1 and 2 more transcripts); c.1853T>C, p.Ile618Thr (NM_001370132.1); c.1202T>C, p.Ile401Thr (NM_001370133.1); c.806T>C, p.Ile269Thr (NM_001370134.1); c.548T>C, p.Ile183Thr (NM_001370135.1); c.2891T>C, p.Ile964Thr (NM_001370136.1, NM_001370137.1); c.1826T>C, p.Ile609Thr (NM_001370143.1, NM_001370144.1); short protein forms I269T, I401T, I618T, I672T, I781T, I183T, I609T, I964T.
Identifiers: ClinVar variation 4992330 (VCV004992330.1).

ClinVar aggregate classification (germline): Uncertain significance (1 of 4 stars; one submission).

Conditions:
KAT6B-related disorder. Also called: KAT6B-related disorders; KAT6B-related condition.

gnomAD v4.1: 2 of 1,614,174 alleles (0.00012%); highest among the groups gnomAD compares: Non-Finnish European, 0.00017%; no homozygotes.

Submission:

PreventionGenetics, part of Exact Sciences
Classification: Uncertain significance for KAT6B-related condition. Last evaluated: 2026-07-14. Review status: criteria provided, single submitter. Criteria: ACMG Guidelines, 2015. Collection method: clinical testing. Allele origin: germline.
Comment: The KAT6B c.2891T>C variant is predicted to result in the amino acid substitution p.Ile964Thr. To our knowledge, this variant has not been reported in the literature or in a large population database (gnomAD), indicating this variant is rare. At this time, the clinical significance of this variant is uncertain due to the absence of conclusive functional and genetic evidence.